The following is an entry in ClinVar:

NM_001082486.1(ACD):c.113C>G (p.Pro38Arg)

Genes: ACD (ACD shelterin complex subunit and telomerase recruitment factor; minus strand), LOC130059224 (ATAC-STARR-seq lymphoblastoid silent region 7617; plus strand). Cytogenetic location: 16q22.1.
Variant type: single nucleotide variant.
Coding change: c.113C>G on transcript NM_001082486.1; coding-DNA position 113, C replaced by G.
Protein change: p.Pro38Arg; replaces proline 38 with arginine.
Genome position (GRCh38, 1-based): chr16:67,660,366, G>C on the plus strand (C>G on the coding strand, the complement: ACD is on the minus strand). VCF-style: chr16-67660366-G-C. GRCh37 (hg19) VCF-style: chr16-67694269-G-C.
Other names: short protein forms P38R.
Identifiers: ClinVar variation 1730773 (VCV001730773.2), dbSNP rs2052985308, ClinGen allele CA396359738.

ClinVar aggregate classification (germline): Uncertain significance (1 of 4 stars; one submission).

Conditions:
Inborn genetic diseases. Identifiers: MedGen C0950123, MeSH D030342.

Submission:

Ambry Genetics
Classification: Uncertain significance for Inborn genetic diseases. Last evaluated: 2022-01-16. Review status: criteria provided, single submitter. Criteria: Ambry Variant Classification Scheme 2023. Collection method: clinical testing. Allele origin: germline.
Comment: The p.P38R variant (also known as c.113C>G), located in coding exon 1 of the ACD gene, results from a C to G substitution at nucleotide position 113. The proline at codon 38 is replaced by arginine, an amino acid with dissimilar properties. This amino acid position is conserved. In addition, this alteration is predicted to be tolerated by in silico analysis. Since supporting evidence is limited at this time, the clinical significance of this alteration remains unclear.